The following is an entry in ClinVar:

ClinVar aggregate classification (germline): Pathogenic/Likely pathogenic. Review status: criteria provided, multiple submitters, no conflicts (2 of 4 stars). 4 submissions from 4 submitters: Pathogenic (3); Likely pathogenic (1). Last evaluated 2026-04-01.

Conditions:
Hereditary cancer-predisposing syndrome. Also called: Tumor predisposition; Hereditary Cancer Syndrome; Neoplastic Syndromes, Hereditary; Hereditary neoplastic syndrome. Identifiers: Orphanet 140162, MedGen C0027672, MeSH D009386, MONDO:0015356.
Familial cancer of breast. Also called: hereditary breast carcinoma; Hereditary breast cancer; BREAST CANCER, FAMILIAL. Identifiers: Orphanet 227535, MedGen C0346153, MONDO:0016419, OMIM 114480. Disease mechanism: loss of function.
Ataxia-telangiectasia syndrome (AT). Also called: LOUIS-BAR SYNDROME; Ataxia-telangiectasia, complementation group E; Cerebello-oculocutaneous telangiectasia; Immunodeficiency with ataxia telangiectasia; Ataxia-telangiectasia, complementation group D; AT, COMPLEMENTATION GROUP C. Identifiers: Orphanet 100, MedGen C0004135, MONDO:0008840, OMIM 208900.

Submissions (4):

Ambry Genetics
Classification: Likely pathogenic for Hereditary cancer-predisposing syndrome. Last evaluated: 2026-04-01. Review status: criteria provided, single submitter. Criteria: Ambry Variant Classification Scheme 2023. Collection method: clinical testing. Allele origin: germline.
Comment: The c.4909+1G>T intronic variant results from a G to T substitution one nucleotide after coding exon 31 of the ATM gene. This variant is considered to be rare based on population cohorts in the Genome Aggregation Database (gnomAD). This nucleotide position is highly conserved in available vertebrate species. In silico splice site analysis predicts that this alteration will weaken the native splice donor site and will result in the creation or strengthening of a novel splice donor site. RNA studies have demonstrated that this alteration results in abnormal splicing in the set of samples tested (Ambry internal data). Alterations that disrupt the canonical splice site are expected to cause aberrant splicing, resulting in an abnormal protein or a transcript that is subject to nonsense-mediated mRNA decay. As such, this alteration is classified as likely pathogenic.

Color Diagnostics, LLC DBA Color Health
Classification: Pathogenic for Hereditary cancer-predisposing syndrome. Last evaluated: 2024-09-23. Review status: criteria provided, single submitter. Criteria: ACMG Guidelines, 2015. Collection method: clinical testing. Allele origin: germline.
Comment: This variant causes a G>T nucleotide substitution at the +1 position of intron 32 of the ATM gene. Splice site prediction tools suggest that this variant may have a significant impact on RNA splicing. This variant has been reported to impact RNA splicing by an external laboratory (ClinVar Accession: SCV004053997.2) and is expected to result in an absent or disrupted protein product (PMID: 38854136). This variant has been reported with a second pathogenic variant in an individual affected with ataxia-telangiectasia (PMID: 29489040). This variant has not been identified in the general population by the Genome Aggregation Database (gnomAD). A different variant affecting the same splice donor site, c.4909+1G>A, is known to be disease-causing (ClinVar Variation ID: 478991). Loss of ATM function is a known mechanism of disease. Based on the available evidence, this variant is classified as Pathogenic.

Myriad Genetics, Inc.
Classification: Pathogenic for Familial cancer of breast. Last evaluated: 2024-01-25. Review status: criteria provided, single submitter. Criteria: Myriad Autosomal Dominant, Autosomal Recessive and X-Linked Classification Criteria (2023). Collection method: clinical testing. Allele origin: unknown.
Comment: This variant is considered pathogenic. This variant occurs within a consensus splice junction and is predicted to result in abnormal mRNA splicing of either an out-of-frame exon or an in-frame exon necessary for protein stability and/or normal function. This variant has been reported in multiple individuals with clinical features of gene-specific disease [PMID: 29489040, 9887333].

Labcorp Genetics (formerly Invitae), Labcorp
Classification: Pathogenic for Ataxia-telangiectasia syndrome. Last evaluated: 2022-08-16. Review status: criteria provided, single submitter. Criteria: Invitae Variant Classification Sherloc (09022015). Collection method: clinical testing. Allele origin: germline.
Comment: For these reasons, this variant has been classified as Pathogenic. Algorithms developed to predict the effect of sequence changes on RNA splicing suggest that this variant may disrupt the consensus splice site. ClinVar contains an entry for this variant (Variation ID: 580794). Disruption of this splice site has been observed in individuals with ataxia telangiectasia (PMID: 9887333). This variant is not present in population databases (gnomAD no frequency). This sequence change affects a donor splice site in intron 32 of the ATM gene. It is expected to disrupt RNA splicing. Variants that disrupt the donor or acceptor splice site typically lead to a loss of protein function (PMID: 16199547), and loss-of-function variants in ATM are known to be pathogenic (PMID: 23807571, 25614872).

Literature cited by the submitters: PubMed 29489040 (cited by Color Diagnostics, LLC DBA Color Health and Myriad Genetics, Inc.); PubMed 38854136 (cited by Color Diagnostics, LLC DBA Color Health); PubMed 9887333 (cited by Myriad Genetics, Inc. and Labcorp Genetics (formerly Invitae), Labcorp); PubMed 16199547 (cited by Labcorp Genetics (formerly Invitae), Labcorp); PubMed 23807571 (cited by Labcorp Genetics (formerly Invitae), Labcorp); PubMed 25614872 (cited by Labcorp Genetics (formerly Invitae), Labcorp).

NM_000051.4(ATM):c.4909+1G>T

Gene: ATM (ATM serine/threonine kinase; plus strand). Cytogenetic location: 11q22.3.
Variant type: single nucleotide variant.
Coding change: c.4909+1G>T on transcript NM_000051.4 (MANE Select); the canonical splice donor site of the intron after coding-DNA position 4909, G replaced by T.
Molecular consequence: splice donor variant.
Genome position (GRCh38, 1-based): chr11:108,295,060, G>T. VCF-style: chr11-108295060-G-T. GRCh37 (hg19) VCF-style: chr11-108165787-G-T.
Other names: c.4909+1G>T (NM_001351834.2).
Identifiers: ClinVar variation 580794 (VCV000580794.15), dbSNP rs756987454, ClinGen allele CA382537329.